The following is an entry in ClinVar:

NM_014679.5(CEP57):c.1273-7G>A

Gene: CEP57 (centrosomal protein 57; plus strand). Cytogenetic location: 11q21.
Variant type: single nucleotide variant.
Coding change: c.1273-7G>A on transcript NM_014679.5 (MANE Select); 7 bases into the intron before coding-DNA position 1273, G replaced by A.
Molecular consequence: intron variant.
Genome position (GRCh38, 1-based): chr11:95,831,019, G>A. VCF-style: chr11-95831019-G-A. GRCh37 (hg19) VCF-style: chr11-95564183-G-A.
Other names: c.1192-7G>A (NM_001363604.2); c.1246-7G>A (NM_001243776.2); c.1195-7G>A (NM_001243777.2).
Identifiers: ClinVar variation 834297 (VCV000834297.9), dbSNP rs1328841524, ClinGen allele CA682185706.

ClinVar aggregate classification (germline): Uncertain significance (1 of 4 stars; one submission).

Conditions:
Mosaic variegated aneuploidy syndrome 2 (MVA2). Identifiers: Orphanet 1052, MedGen C3279843, MONDO:0013582, OMIM 614114.

Allele frequency attached by ClinVar (database versions not stated): TOPMed 0.00001.

Submission:

Labcorp Genetics (formerly Invitae), Labcorp
Classification: Uncertain significance for Mosaic variegated aneuploidy syndrome 2. Last evaluated: 2024-08-07. Review status: criteria provided, single submitter. Criteria: Invitae Variant Classification Sherloc (09022015). Collection method: clinical testing. Allele origin: germline.
Comment: This sequence change falls in intron 10 of the CEP57 gene. It does not directly change the encoded amino acid sequence of the CEP57 protein. This variant is not present in population databases (gnomAD no frequency). This variant has not been reported in the literature in individuals affected with CEP57-related conditions. ClinVar contains an entry for this variant (Variation ID: 834297). Algorithms developed to predict the effect of sequence changes on RNA splicing suggest that this variant may disrupt the consensus splice site. In summary, the available evidence is currently insufficient to determine the role of this variant in disease. Therefore, it has been classified as a Variant of Uncertain Significance.